The following is an entry in ClinVar:

ClinVar aggregate classification (germline): Uncertain significance (1 of 4 stars; one submission).

Conditions:
Tuberous sclerosis 1 (TSC1). Identifiers: Orphanet 805, MedGen C1854465, MONDO:0008612, OMIM 191100.

Submission:

Labcorp Genetics (formerly Invitae), Labcorp
Classification: Uncertain significance for Tuberous sclerosis 1. Last evaluated: 2023-11-24. Review status: criteria provided, single submitter. Criteria: Invitae Variant Classification Sherloc (09022015). Collection method: clinical testing. Allele origin: germline.
Comment: This sequence change replaces glutamine, which is neutral and polar, with histidine, which is basic and polar, at codon 4 of the TSC1 protein (p.Gln4His). This variant is not present in population databases (gnomAD no frequency). This variant has not been reported in the literature in individuals affected with TSC1-related conditions. An algorithm developed to predict the effect of missense changes on protein structure and function (PolyPhen-2) suggests that this variant is likely to be disruptive. In summary, the available evidence is currently insufficient to determine the role of this variant in disease. Therefore, it has been classified as a Variant of Uncertain Significance.

NM_000368.5(TSC1):c.12A>T (p.Gln4His)

Gene: TSC1 (TSC complex subunit 1; minus strand). Cytogenetic location: 9q34.13.
Variant type: single nucleotide variant.
Coding change: c.12A>T on transcript NM_000368.5 (MANE Select); coding-DNA position 12, A replaced by T.
Protein change: p.Gln4His; replaces glutamine 4 with histidine.
Molecular consequence: missense variant. On other transcripts: 5 prime UTR variant (16), non-coding transcript variant (5), intron variant (2).
Genome position (GRCh38, 1-based): chr9:132,928,861, T>A on the plus strand (A>T on the coding strand, the complement: TSC1 is on the minus strand). VCF-style: chr9-132928861-T-A. GRCh37 (hg19) VCF-style: chr9-135804248-T-A.
Other names: c.12A>T, p.Gln4His (NM_001162426.2, NM_001162427.2, NM_001406592.1 and 21 more transcripts); c.-248A>T (NM_001362177.2, NM_001406617.1, NM_001406619.1 and 3 more transcripts); c.-340A>T (NM_001406614.1); c.-477A>T (NM_001406615.1, NM_001406623.1); c.-444A>T (NM_001406616.1, NM_001406624.1); c.-866A>T (NM_001406626.1, NM_001406627.1, NM_001406628.1); c.-1008A>T (NM_001406629.1); c.-1082A>T (NM_001406630.1); and 1 more; short protein forms Q4H.
Identifiers: ClinVar variation 2698813 (VCV002698813.3), dbSNP rs1588363707, ClinGen allele CA375375451.